The following is an entry in ClinVar:

ClinVar aggregate classification (germline): Uncertain significance (1 of 4 stars; one submission).

Submission:

GeneDx
Classification: Uncertain significance. Last evaluated: 2023-10-23. Review status: criteria provided, single submitter. Criteria: GeneDx Variant Classification Process June 2021. Collection method: clinical testing. Allele origin: germline. Affected: yes.
Comment: Not observed at significant frequency in large population cohorts (gnomAD); In silico analysis supports that this missense variant does not alter protein structure/function; Has not been previously published as pathogenic or benign to our knowledge

NM_139137.4(KCNC2):c.1573T>G (p.Cys525Gly)

Gene: KCNC2 (potassium voltage-gated channel subfamily C member 2; minus strand). Cytogenetic location: 12q21.1.
Variant type: single nucleotide variant.
Coding change: c.1573T>G on transcript NM_139137.4 (MANE Select); coding-DNA position 1573, T replaced by G.
Protein change: p.Cys525Gly; replaces cysteine 525 with glycine.
Molecular consequence: missense variant. On other transcripts: non-coding transcript variant (1).
Genome position (GRCh38, 1-based): chr12:75,050,432, A>C on the plus strand (T>G on the coding strand, the complement: KCNC2 is on the minus strand). VCF-style: chr12-75050432-A-C. GRCh37 (hg19) VCF-style: chr12-75444212-A-C.
Other names: c.1573T>G, p.Cys525Gly (NM_001260497.2, NM_001260498.2, NM_001260499.2 and 13 more transcripts); short protein forms C525G.
Identifiers: ClinVar variation 3366087 (VCV003366087.1).